The following is an entry in ClinVar:

NM_001852.4(COL9A2):c.900G>A (p.Thr300=)

Gene: COL9A2 (collagen type IX alpha 2 chain; minus strand). Cytogenetic location: 1p34.2.
Variant type: single nucleotide variant.
Coding change: c.900G>A on transcript NM_001852.4 (MANE Select); coding-DNA position 900, G replaced by A.
Protein change: p.Thr300=; no amino-acid change (threonine 300 retained).
Molecular consequence: synonymous variant.
Genome position (GRCh38, 1-based): chr1:40,308,192, C>T on the plus strand (G>A on the coding strand, the complement: COL9A2 is on the minus strand). VCF-style: chr1-40308192-C-T. GRCh37 (hg19) VCF-style: chr1-40773864-C-T.
Identifiers: ClinVar variation 2877733 (VCV002877733.3), dbSNP rs752584833, ClinGen allele CA791694.

ClinVar aggregate classification (germline): Uncertain significance (1 of 4 stars; one submission).

Allele frequency attached by ClinVar (database versions not stated): ExAC 0.00001.

Submission:

Labcorp Genetics (formerly Invitae), Labcorp
Classification: Uncertain significance. Last evaluated: 2024-02-20. Review status: criteria provided, single submitter. Criteria: Invitae Variant Classification Sherloc (09022015). Collection method: clinical testing. Allele origin: germline.
Comment: This sequence change affects codon 300 of the COL9A2 mRNA. It is a 'silent' change, meaning that it does not change the encoded amino acid sequence of the COL9A2 protein. This variant also falls at the last nucleotide of exon 17, which is part of the consensus splice site for this exon. The frequency data for this variant in the population databases is considered unreliable, as metrics indicate poor data quality at this position in the gnomAD database. This variant has not been reported in the literature in individuals affected with COL9A2-related conditions. Variants that disrupt the consensus splice site are a relatively common cause of aberrant splicing (PMID: 17576681, 9536098). Algorithms developed to predict the effect of sequence changes on RNA splicing suggest that this variant may disrupt the consensus splice site. In summary, the available evidence is currently insufficient to determine the role of this variant in disease. Therefore, it has been classified as a Variant of Uncertain Significance.

Literature cited by the submitters: PubMed 17576681; PubMed 9536098.